The following is an entry in ClinVar:

NM_032119.4(ADGRV1):c.12343G>C (p.Asp4115His)

Gene: ADGRV1 (adhesion G protein-coupled receptor V1; plus strand). Cytogenetic location: 5q14.3.
Variant type: single nucleotide variant.
Coding change: c.12343G>C on transcript NM_032119.4 (MANE Select); coding-DNA position 12343, G replaced by C.
Protein change: p.Asp4115His; replaces aspartic acid 4115 with histidine.
Molecular consequence: missense variant. On other transcripts: non-coding transcript variant (1).
Genome position (GRCh38, 1-based): chr5:90,774,243, G>C. VCF-style: chr5-90774243-G-C. GRCh37 (hg19) VCF-style: chr5-90070060-G-C.
Other names: short protein forms D4115H.
Identifiers: ClinVar variation 843742 (VCV000843742.7), dbSNP rs539747361, ClinGen allele CA360383674.
Genomic context (GRCh38, chr5:90,774,243, plus strand): 5'-TAGACTGAGTCCCAGAAGACCATTGTGTTGCACACACTTCAAGACACAGTGTTGGAGGAG[G>C]ACAGGCGTTTCACCATTCAGCTGATATCAATTGATGAGGTAGAAATATCTCCAGTAAAAG-3'
Protein context (NP_115495.3, residues 4105-4125): HTLQDTVLEE[Asp4115His]RRFTIQLISI

ClinVar aggregate classification (germline): Uncertain significance (1 of 4 stars; one submission).

gnomAD v4.1: 3 of 1,611,820 alleles (0.00019%); highest among the groups gnomAD compares: African/African-American, 0.004%; no homozygotes.

Submission:

Labcorp Genetics (formerly Invitae), Labcorp
Classification: Uncertain significance. Last evaluated: 2022-10-05. Review status: criteria provided, single submitter. Criteria: Invitae Variant Classification Sherloc (09022015). Collection method: clinical testing. Allele origin: germline.
Comment: This sequence change replaces aspartic acid, which is acidic and polar, with histidine, which is basic and polar, at codon 4115 of the ADGRV1 protein (p.Asp4115His). This variant is not present in population databases (gnomAD no frequency). This variant has not been reported in the literature in individuals affected with ADGRV1-related conditions. ClinVar contains an entry for this variant (Variation ID: 843742). Algorithms developed to predict the effect of missense changes on protein structure and function are either unavailable or do not agree on the potential impact of this missense change (SIFT: "Deleterious"; PolyPhen-2: "Possibly Damaging"; Align-GVGD: "Class C0"). In summary, the available evidence is currently insufficient to determine the role of this variant in disease. Therefore, it has been classified as a Variant of Uncertain Significance.